The following is an entry in ClinVar:

NM_000416.3(IFNGR1):c.588_592del (p.Glu197fs)

Gene: IFNGR1 (interferon gamma receptor 1; minus strand). Cytogenetic location: 6q23.3.
Variant type: Deletion.
Coding change: c.588_592del on transcript NM_000416.3 (MANE Select); coding-DNA positions 588 to 592, 5 bases deleted (CGAGA; older notation c.588_592delCGAGA).
Protein change: p.Glu197fs; shifts the reading frame from glutamic acid 197.
Molecular consequence: frameshift variant.
Genome position (GRCh38, 1-based): chr6:137,203,640-137,203,644, TCTCG deleted on the plus strand (CGAGA on the coding strand, the reverse complement: IFNGR1 is on the minus strand); deleting any 5 consecutive bases within chr6:137,203,640-137,203,646 gives the same sequence; the c. name uses the placement nearest the transcript's 3' end. VCF-style (leftmost placement, unchanged base first): chr6-137203639-ATCTCG-A. GRCh37 (hg19) VCF-style: chr6-137524776-ATCTCG-A.
Other names: c.558_562del, p.Glu187fs (NM_001363526.1); c.465_469del, p.Glu156fs (NM_001363527.1); short protein forms E197fs, E156fs, E187fs.
Identifiers: ClinVar variation 4720494 (VCV004720494.1).
Genomic context (GRCh38, chr6:137,203,639, plus strand): 5'-TCTGCTGAAACACAGTACTGAGAATTCAGTGAGGATACTGGAATCGCTAACTGGCACTGA[ATCTCG>A]TCACAATCATCTTCCTTCTGCGTGAGTATTTTATACTGGATCTAGATGAAAAAAGAAAAC-3'

ClinVar aggregate classification (germline): Pathogenic (1 of 4 stars; one submission).

Conditions:
Disseminated atypical mycobacterial infection. Identifiers: MedGen C0694566.

Submission:

Labcorp Genetics (formerly Invitae), Labcorp
Classification: Pathogenic for Disseminated atypical mycobacterial infection. Last evaluated: 2025-06-19. Review status: criteria provided, single submitter. Criteria: Invitae Variant Classification Sherloc (09022015). Collection method: clinical testing. Allele origin: germline.
Comment: This sequence change creates a premature translational stop signal (p.Glu197Serfs*31) in the IFNGR1 gene. It is expected to result in an absent or disrupted protein product. Loss-of-function variants in IFNGR1 are known to be pathogenic (PMID: 8960473, 9806040). This variant is not present in population databases (gnomAD no frequency). This variant has not been reported in the literature in individuals affected with IFNGR1-related conditions. For these reasons, this variant has been classified as Pathogenic.

Literature cited by the submitters: PubMed 8960473; PubMed 9806040.